The following is an entry in ClinVar:

ClinVar aggregate classification (germline): Uncertain significance (1 of 4 stars; one submission).

Submission:

GeneDx
Classification: Uncertain significance. Last evaluated: 2026-03-26. Review status: criteria provided, single submitter. Criteria: GeneDx Variant Classification Process June 2021. Collection method: clinical testing. Allele origin: germline.
Comment: Not observed at significant frequency in large population cohorts (gnomAD); In silico analysis supports that this missense variant has a deleterious effect on protein structure/function; Has not been previously published as pathogenic or benign to our knowledge

NM_001148.6(ANK2):c.10799A>G (p.Gln3600Arg)

Gene: ANK2 (ankyrin 2; plus strand). Cytogenetic location: 4q26.
Variant type: single nucleotide variant.
Coding change: c.10799A>G on transcript NM_001148.6 (MANE Select); coding-DNA position 10799, A replaced by G.
Protein change: p.Gln3600Arg; replaces glutamine 3600 with arginine.
Molecular consequence: missense variant.
Genome position (GRCh38, 1-based): chr4:113,363,380, A>G. VCF-style: chr4-113363380-A-G. GRCh37 (hg19) VCF-style: chr4-114284536-A-G.
Other names: c.4517A>G, p.Gln1506Arg (NM_001127493.3); c.4556A>G, p.Gln1519Arg (NM_001354225.2); c.4445A>G, p.Gln1482Arg (NM_001354228.2, NM_001354258.2); c.4523A>G, p.Gln1508Arg (NM_001354230.2); c.4586A>G, p.Gln1529Arg (NM_001354231.2, NM_001354242.2); c.4580A>G, p.Gln1527Arg (NM_001354232.2); c.4541A>G, p.Gln1514Arg (NM_001354235.2, NM_001354265.2, NM_001354246.2); c.4442A>G, p.Gln1481Arg (NM_001354236.2); and 35 more; short protein forms Q1354R, Q1387R, Q1415R, Q1420R, Q1428R, Q1437R, Q1440R, Q1442R.
Identifiers: ClinVar variation 5017265 (VCV005017265.1).